The following is an entry in ClinVar:

NM_001386140.1(MTTP):c.*796C>T

Gene: MTTP (microsomal triglyceride transfer protein; plus strand). Cytogenetic location: 4q23.
Variant type: single nucleotide variant.
Coding change: c.*796C>T on transcript NM_001386140.1 (MANE Select); 796 bases downstream of the stop codon, C replaced by T.
Molecular consequence: 3 prime UTR variant.
Genome position (GRCh38, 1-based): chr4:99,623,644, C>T. VCF-style: chr4-99623644-C-T. GRCh37 (hg19) VCF-style: chr4-100544801-C-T.
Other names: c.*796C>T (NM_000253.4, NM_001300785.2).
Identifiers: ClinVar variation 902736 (VCV000902736.4), dbSNP rs551084925, ClinGen allele CA102653211.

ClinVar aggregate classification (germline): Benign (1 of 4 stars; one submission).

Conditions:
Abetalipoproteinaemia (ABL). Also called: MTP DEFICIENCY; Abetalipoproteinemia; Abetalipoproteinemia neuropathy; Apolipoprotein B deficiency; Congenital betalipoprotein deficiency syndrome. Identifiers: Orphanet 14, MedGen C0000744, MONDO:0008692, OMIM 200100, HP:0008181.

Allele frequency attached by ClinVar (database versions not stated): 1000 Genomes Project 0.00499; gnomAD 0.00499 and 0.00527; TOPMed 0.00512; 1000 Genomes Project 30x 0.00609.

Submission:

Illumina Laboratory Services, Illumina
Classification: Benign for Abetalipoproteinaemia. Last evaluated: 2018-01-13. Review status: criteria provided, single submitter. Criteria: ICSL Variant Classification Criteria 13 December 2019. Collection method: clinical testing. Allele origin: germline.
Comment: This variant was observed in the ICSL laboratory as part of a predisposition screen in an ostensibly healthy population. It had not been previously curated by ICSL or reported in the Human Gene Mutation Database (HGMD: prior to June 1st, 2018), and was therefore a candidate for classification through an automated scoring system. Utilizing variant allele frequency, disease prevalence and penetrance estimates, and inheritance mode, an automated score was calculated to assess if this variant is too frequent to cause the disease. Based on the score and internal cut-off values, a variant classified as benign is not then subjected to further curation. The score for this variant resulted in a classification of benign for this disease.